The following is an entry in ClinVar:

NM_012452.3(TNFRSF13B):c.543G>A (p.Ala181=)

Gene: TNFRSF13B (TNF receptor superfamily member 13B; minus strand). Cytogenetic location: 17p11.2.
Variant type: single nucleotide variant.
Coding change: c.543G>A on transcript NM_012452.3 (MANE Select); coding-DNA position 543, G replaced by A.
Protein change: p.Ala181=; no amino-acid change (alanine 181 retained).
Molecular consequence: synonymous variant.
Genome position (GRCh38, 1-based): chr17:16,940,414, C>T on the plus strand (G>A on the coding strand, the complement: TNFRSF13B is on the minus strand). VCF-style: chr17-16940414-C-T. GRCh37 (hg19) VCF-style: chr17-16843728-C-T.
Identifiers: ClinVar variation 641717 (VCV000641717.37), dbSNP rs746018705, ClinGen allele CA8413956.

ClinVar aggregate classification (germline): Likely benign. Review status: criteria provided, multiple submitters, no conflicts (2 of 4 stars). 3 submissions from 3 submitters: Likely benign (3). Last evaluated 2025-08-20.

Conditions:
Immunodeficiency, common variable, 2 (CVID2). Also called: HYPOGAMMAGLOBULINEMIA DUE TO TACI DEFICIENCY; ANTIBODY DEFICIENCY DUE TO TACI DEFECT. Identifiers: Orphanet 1572, MedGen C3150354, MONDO:0009413, OMIM 240500.

Allele frequency attached by ClinVar (database versions not stated): ExAC 0.00001; TOPMed 0.00002; gnomAD exomes 0.00003; gnomAD 0.00005.

Submissions (3):

Labcorp Genetics (formerly Invitae), Labcorp
Classification: Likely benign for Immunodeficiency, common variable, 2. Last evaluated: 2025-08-20. Review status: criteria provided, single submitter. Criteria: Invitae Variant Classification Sherloc (09022015). Collection method: clinical testing. Allele origin: germline.

CeGaT Center for Human Genetics Tuebingen
Classification: Likely benign. Last evaluated: 2022-10-01. Review status: criteria provided, single submitter. Criteria: CeGaT Center For Human Genetics Tuebingen Variant Classification Criteria Version 2. Collection method: clinical testing. Allele origin: germline. Affected: yes. Observed: 1 variant allele.
Comment: TNFRSF13B: BP4, BP7

Blueprint Genetics
Classification: Likely benign. Last evaluated: 2021-10-07. Review status: criteria provided, single submitter. Criteria: ACMG Guidelines, 2015. Collection method: clinical testing. Allele origin: germline.